The following is an entry in ClinVar:

ClinVar aggregate classification (germline): Uncertain significance (1 of 4 stars; one submission).

Conditions:
PLXNA1-related disorder. Also called: PLXNA1-related condition.

Submission:

PreventionGenetics, part of Exact Sciences
Classification: Uncertain significance for PLXNA1-related condition. Last evaluated: 2024-12-19. Review status: criteria provided, single submitter. Criteria: ACMG Guidelines, 2015. Collection method: clinical testing. Allele origin: germline.
Comment: The PLXNA1 c.3361G>C variant is predicted to result in the amino acid substitution p.Glu1121Gln. To our knowledge, this variant has not been reported in the literature or in a large population database (gnomAD), indicating this variant is rare. At this time, the clinical significance of this variant is uncertain due to the absence of conclusive functional and genetic evidence.

NM_032242.4(PLXNA1):c.3361G>C (p.Glu1121Gln)

Gene: PLXNA1 (plexin A1; plus strand). Cytogenetic location: 3q21.3.
Variant type: single nucleotide variant.
Coding change: c.3361G>C on transcript NM_032242.4 (MANE Select); coding-DNA position 3361, G replaced by C.
Protein change: p.Glu1121Gln; replaces glutamic acid 1121 with glutamine.
Molecular consequence: missense variant.
Genome position (GRCh38, 1-based): chr3:127,017,509, G>C. VCF-style: chr3-127017509-G-C. GRCh37 (hg19) VCF-style: chr3-126736352-G-C.
Other names: short protein forms E1121Q.
Identifiers: ClinVar variation 5000179 (VCV005000179.1).